The following is an entry in ClinVar:

NM_014159.7(SETD2):c.2251C>A (p.Pro751Thr)

Gene: SETD2 (SET domain containing 2, histone lysine methyltransferase; minus strand). Cytogenetic location: 3p21.31.
Variant type: single nucleotide variant.
Coding change: c.2251C>A on transcript NM_014159.7 (MANE Select); coding-DNA position 2251, C replaced by A.
Protein change: p.Pro751Thr; replaces proline 751 with threonine.
Molecular consequence: missense variant. On other transcripts: non-coding transcript variant (1).
Genome position (GRCh38, 1-based): chr3:47,122,385, G>T on the plus strand (C>A on the coding strand, the complement: SETD2 is on the minus strand). VCF-style: chr3-47122385-G-T. GRCh37 (hg19) VCF-style: chr3-47163875-G-T.
Other names: c.2119C>A, p.Pro707Thr (NM_001349370.3); short protein forms P751T, P707T.
Identifiers: ClinVar variation 135220 (VCV000135220.18), dbSNP rs115788094, ClinGen allele CA162053.
Genomic context (GRCh38, chr3:47,122,385, plus strand): 5'-AATAATCCACAGTCATAACTGGCATAGACATGAGTTTATCTTGGTGTGGTGACACCAGAG[G>T]TTCTGTTTCTCTAAATGGGCTTTCTGACTTCTTATGCAGCATGCAGGTATCATCCAAGTC-3'
Protein context (NP_054878.5, residues 741-761): KSESPFRETE[Pro751Thr]LVSPHQDKLM

ClinVar aggregate classification (germline): Conflicting classifications of pathogenicity. Review status: criteria provided, conflicting classifications (1 of 4 stars). 6 submissions from 6 submitters: Uncertain significance (1); Benign (1); Likely benign (3). 1 of the submissions does not count toward it. Last evaluated 2026-04-01.

Conditions:
Luscan-Lumish syndrome. Identifiers: Orphanet 597738, MedGen C4085873, MONDO:0014791, OMIM 616831.

Allele frequency attached by ClinVar (database versions not stated): TOPMed 0.00026; gnomAD 0.00034 and 0.00039; ESP Exome Variant Server 0.00038; 1000 Genomes Project 30x 0.00156; 1000 Genomes Project 0.00200.
gnomAD v4.1: 220 of 1,614,042 alleles (0.014%); highest among the groups gnomAD compares: Middle Eastern, 0.25%; 1 homozygote.

Submissions (6):

CeGaT Center for Human Genetics Tuebingen
Classification: Likely benign. Last evaluated: 2026-04-01. Review status: criteria provided, single submitter. Criteria: CeGaT Center For Human Genetics Tuebingen Variant Classification Criteria Version 2. Collection method: clinical testing. Allele origin: germline. Affected: yes. Observed: 1 variant allele.
Comment: SETD2: BP4, BS1

Labcorp Genetics (formerly Invitae), Labcorp
Classification: Likely benign for Luscan-Lumish syndrome. Last evaluated: 2025-07-10. Review status: criteria provided, single submitter. Criteria: Invitae Variant Classification Sherloc (09022015). Collection method: clinical testing. Allele origin: germline.

Blueprint Genetics
Classification: Likely benign. Last evaluated: 2024-09-13. Review status: criteria provided, single submitter. Criteria: ACMG Guidelines, 2015. Collection method: clinical testing. Allele origin: germline.

Athena Diagnostics
Classification: Benign. Last evaluated: 2018-09-14. Review status: criteria provided, single submitter. Criteria: Athena Diagnostics Criteria. Collection method: clinical testing. Allele origin: germline.

Center for Pediatric Genomic Medicine, Children's Mercy Hospital and Clinics
Classification: Uncertain significance. Last evaluated: 2017-01-02. Review status: criteria provided, single submitter. Criteria: ACMG Guidelines, 2015. Collection method: clinical testing. Allele origin: germline.
ClinVar note: Converted during submission from Uncertain Significance to Uncertain significance.

ITMI
No classification provided. Condition: AllHighlyPenetrant. Last evaluated: 2013-09-19. Review status: no classification provided. Collection method: reference population. Allele origin: germline. Not counted in ClinVar's aggregate classification.
Comment: Please see associated publication for description of ethnicities

Literature cited by the submitters: PubMed 24728327 (cited by ITMI).